The following is an entry in ClinVar:

ClinVar aggregate classification (germline): Uncertain significance (1 of 4 stars; one submission).

Conditions:
Inborn genetic diseases. Identifiers: MedGen C0950123, MeSH D030342.

gnomAD v4.1: 2 of 1,614,050 alleles (0.00012%); highest among the groups gnomAD compares: Middle Eastern, 0.016%; no homozygotes.

Submission:

Ambry Genetics
Classification: Uncertain significance for Inborn genetic diseases. Last evaluated: 2025-01-27. Review status: criteria provided, single submitter. Criteria: Ambry Variant Classification Scheme 2023. Collection method: clinical testing. Allele origin: germline.
Comment: The p.E251Q variant (also known as c.751G>C), located in coding exon 5 of the MECOM gene, results from a G to C substitution at nucleotide position 751. The glutamic acid at codon 251 is replaced by glutamine, an amino acid with highly similar properties. This amino acid position is conserved. In addition, this alteration is predicted to be tolerated by in silico analysis. Based on the available evidence, the clinical significance of this variant remains unclear.

NM_004991.4(MECOM):c.751G>C (p.Glu251Gln)

Gene: MECOM (MDS1 and EVI1 complex locus; minus strand). Cytogenetic location: 3q26.2.
Variant type: single nucleotide variant.
Coding change: c.751G>C on transcript NM_004991.4 (MANE Select); coding-DNA position 751, G replaced by C.
Protein change: p.Glu251Gln; replaces glutamic acid 251 with glutamine.
Molecular consequence: missense variant.
Genome position (GRCh38, 1-based): chr3:169,127,923, C>G on the plus strand (G>C on the coding strand, the complement: MECOM is on the minus strand). VCF-style: chr3-169127923-C-G. GRCh37 (hg19) VCF-style: chr3-168845711-C-G.
Other names: c.379G>C, p.Glu127Gln (NM_001105077.4); c.187G>C, p.Glu63Gln (NM_001105078.4, NM_001163999.2, NM_001164000.2 and 9 more transcripts); c.751G>C, p.Glu251Gln (NM_001366466.2, NM_001366473.2); short protein forms E127Q, E251Q, E63Q.
Identifiers: ClinVar variation 3871749 (VCV003871749.1).